The following is an entry in ClinVar:

NM_000089.4(COL1A2):c.353G>T (p.Gly118Val)

Gene: COL1A2 (collagen type I alpha 2 chain; plus strand). Cytogenetic location: 7q21.3.
Variant type: single nucleotide variant.
Coding change: c.353G>T on transcript NM_000089.4 (MANE Select); coding-DNA position 353, G replaced by T.
Protein change: p.Gly118Val; replaces glycine 118 with valine.
Molecular consequence: missense variant.
Genome position (GRCh38, 1-based): chr7:94,404,721, G>T. VCF-style: chr7-94404721-G-T. GRCh37 (hg19) VCF-style: chr7-94034033-G-T.
Other names: short protein forms G118V.
Identifiers: ClinVar variation 839226 (VCV000839226.15), dbSNP rs72656358, ClinGen allele CA368219580.
Genomic context (GRCh38, chr7:94,404,721, plus strand): 5'-GCTTGGAGTATGACATTCTTTTTTTCTTTTAGGGCCCTCAAGGTTTCCAAGGACCTGCTG[G>T]TGAGCCTGGTGAACCTGGTCAAACTGTGAGTACATTTTTCCACCTTTGTGATAAGTTTTT-3'
Protein context (NP_000080.2, residues 108-128): PGPQGFQGPA[Gly118Val]EPGEPGQTGP

ClinVar aggregate classification (germline): Pathogenic/Likely pathogenic. Review status: criteria provided, multiple submitters, no conflicts (2 of 4 stars). 3 submissions from 3 submitters: Pathogenic (2); Likely pathogenic (1). Last evaluated 2025-05-13.

Conditions:
Ehlers-Danlos syndrome, classic type, 1 (EDSCL1). Also called: EDS I; EHLERS-DANLOS SYNDROME, GRAVIS TYPE; EHLERS-DANLOS SYNDROME, SEVERE CLASSIC TYPE; Ehlers-Danlos Syndrome, Classic Type, COL5A1-Related; Ehlers-Danlos syndrome, type 1. Identifiers: MedGen C0268335, MONDO:0019567, OMIM 130000.
Osteogenesis imperfecta type I (OI1). Also called: Lobstein disease; Classic Non-deforming Osteogenesis Imperfecta with Blue Sclerae; OI, TYPE I; OSTEOGENESIS IMPERFECTA TARDA; OSTEOGENESIS IMPERFECTA WITH BLUE SCLERAE; Osteogenesis imperfecta type 1. Identifiers: Orphanet 216796, Orphanet 666, MedGen C0023931, MONDO:0008146, OMIM 166200. Disease mechanism: loss of function.
COL1A2-related disorder. Also called: COL1A2-Related Disorders; COL1A2-related condition.

Submissions (3):

Labcorp Genetics (formerly Invitae), Labcorp
Classification: Pathogenic for Osteogenesis imperfecta type I; Ehlers-Danlos syndrome, classic type, 1. Last evaluated: 2025-05-13. Review status: criteria provided, single submitter. Criteria: Invitae Variant Classification Sherloc (09022015). Collection method: clinical testing. Allele origin: germline.
Comment: This sequence change replaces glycine, which is neutral and non-polar, with valine, which is neutral and non-polar, at codon 118 of the COL1A2 protein (p.Gly118Val). This variant is not present in population databases (gnomAD no frequency). This missense change has been observed in individuals with osteogenesis imperfecta (PMID: 21520333, 26551090; internal data). ClinVar contains an entry for this variant (Variation ID: 839226). Invitae Evidence Modeling of protein sequence and biophysical properties (such as structural, functional, and spatial information, amino acid conservation, physicochemical variation, residue mobility, and thermodynamic stability) indicates that this missense variant is expected to disrupt COL1A2 protein function with a positive predictive value of 95%. This variant disrupts the triple helix domain of COL1A2. Glycine residues within the Gly-Xaa-Yaa repeats of the triple helix domain are required for the structure and stability of fibrillar collagens (PMID: 7695699, 8218237, 19344236). In COL1A2, variants affecting these glycine residues are significantly enriched in individuals with disease (PMID: 9016532, 17078022) compared to the general population (ExAC). For these reasons, this variant has been classified as Pathogenic.

GeneDx
Classification: Pathogenic. Last evaluated: 2023-05-03. Review status: criteria provided, single submitter. Criteria: GeneDx Variant Classification Process June 2021. Collection method: clinical testing. Allele origin: germline. Affected: yes.
Comment: Occurs in the triple helical domain and replaces the glycine in the canonical GlyX-Y repeat; missense substitution of a canonical glycine residue is expected to disrupt normal protein folding and function, and this is an established mechanism of disease (HGMD); Not observed in large population cohorts (gnomAD); In silico analysis, which includes protein predictors and evolutionary conservation, supports a deleterious effect; This variant is associated with the following publications: (PMID: 26551090)

Blueprint Genetics
Classification: Likely pathogenic for COL1A2-related disorders. Last evaluated: 2020-08-17. Review status: criteria provided, single submitter. Criteria: ACMG Guidelines, 2015. Collection method: clinical testing. Allele origin: germline. Affected: yes. Observed: 1 variant allele.

Literature cited by the submitters: PubMed 21520333 (cited by Labcorp Genetics (formerly Invitae), Labcorp); PubMed 26551090 (cited by Labcorp Genetics (formerly Invitae), Labcorp); PubMed 7695699 (cited by Labcorp Genetics (formerly Invitae), Labcorp); PubMed 8218237 (cited by Labcorp Genetics (formerly Invitae), Labcorp); PubMed 19344236 (cited by Labcorp Genetics (formerly Invitae), Labcorp); PubMed 9016532 (cited by Labcorp Genetics (formerly Invitae), Labcorp); PubMed 17078022 (cited by Labcorp Genetics (formerly Invitae), Labcorp).